The following is an entry in ClinVar:

ClinVar aggregate classification (germline): Likely benign (0 of 4 stars; one submission).

Conditions:
MPDZ-related disorder. Also called: MPDZ-related condition.

Submission:

PreventionGenetics, part of Exact Sciences
Classification: Likely benign for MPDZ-related condition. Last evaluated: 2024-06-26. Review status: no assertion criteria provided. Collection method: clinical testing. Allele origin: germline.
Comment: This variant is classified as likely benign based on ACMG/AMP sequence variant interpretation guidelines (Richards et al. 2015 PMID: 25741868, with internal and published modifications).

NM_001378778.1(MPDZ):c.2365-9T>A

Gene: MPDZ (multiple PDZ domain crumbs cell polarity complex component; minus strand). Cytogenetic location: 9p23.
Variant type: single nucleotide variant.
Coding change: c.2365-9T>A on transcript NM_001378778.1 (MANE Select); 9 bases into the intron before coding-DNA position 2365, T replaced by A.
Molecular consequence: intron variant.
Genome position (GRCh38, 1-based): chr9:13,186,395, A>T on the plus strand (T>A on the coding strand, the complement: MPDZ is on the minus strand). VCF-style: chr9-13186395-A-T. GRCh37 (hg19) VCF-style: chr9-13186394-A-T.
Other names: c.2365-9T>A (NM_001375425.1, NM_001375420.1, NM_001375419.1 and 14 more transcripts).
Identifiers: ClinVar variation 3345634 (VCV003345634.1).